The following is an entry in ClinVar:

ClinVar aggregate classification (germline): Uncertain significance (1 of 4 stars; one submission).

Conditions:
Inborn genetic diseases. Identifiers: MedGen C0950123, MeSH D030342.

gnomAD v4.1: 2 of 1,614,054 alleles (0.00012%); highest among the groups gnomAD compares: Non-Finnish European, 0.000085%; no homozygotes.

Submission:

Ambry Genetics
Classification: Uncertain significance for Inborn genetic diseases. Last evaluated: 2024-12-16. Review status: criteria provided, single submitter. Criteria: Ambry Variant Classification Scheme 2023. Collection method: clinical testing. Allele origin: germline.
Comment: The p.R1893K variant (also known as c.5678G>A), located in coding exon 21 of the FANCM gene, results from a G to A substitution at nucleotide position 5678. The arginine at codon 1893 is replaced by lysine, an amino acid with highly similar properties. This amino acid position is conserved. In addition, the in silico prediction for this alteration is inconclusive. Based on the available evidence, the clinical significance of this variant remains unclear.

NM_020937.4(FANCM):c.5678G>A (p.Arg1893Lys)

Gene: FANCM (FA complementation group M; plus strand). Cytogenetic location: 14q21.2.
Variant type: single nucleotide variant.
Coding change: c.5678G>A on transcript NM_020937.4 (MANE Select); coding-DNA position 5678, G replaced by A.
Protein change: p.Arg1893Lys; replaces arginine 1893 with lysine.
Molecular consequence: missense variant.
Genome position (GRCh38, 1-based): chr14:45,196,509, G>A. VCF-style: chr14-45196509-G-A. GRCh37 (hg19) VCF-style: chr14-45665712-G-A.
Other names: c.5600G>A, p.Arg1867Lys (NM_001308133.2); short protein forms R1867K, R1893K.
Identifiers: ClinVar variation 3848510 (VCV003848510.1).
Genomic context (GRCh38, chr14:45,196,509, plus strand): 5'-ATAGTGTCAATAAGAACAAGTTCATTGAGCAGATCCAGCACCTGCAGAGTATGTTTGAAA[G>A]AATATGTGTGATTGTGGAAAAGGACAGAGAAAAAACAGGTTTGTATTTTTAAATATCTTT-3'
Protein context (NP_065988.1, residues 1883-1903): QIQHLQSMFE[Arg1893Lys]ICVIVEKDRE